The following is an entry in ClinVar:

ClinVar aggregate classification (germline): Benign (1 of 4 stars; one submission).

Conditions:
Microcephaly, normal intelligence and immunodeficiency (NBS). Also called: Ataxia telangiectasia variant V1; Immunodeficiency, microcephaly with normal intelligence; IMMUNODEFICIENCY, MICROCEPHALY, AND CHROMOSOMAL INSTABILITY; SEEMANOVA SYNDROME II; Nijmegen breakage syndrome; Microcephaly with normal intelligence immunodeficiency and lymphoreticular malignancies. Identifiers: Orphanet 647, MedGen C0398791, MONDO:0009623, OMIM 251260.

Allele frequency attached by ClinVar (database versions not stated): gnomAD 0.02926 and 0.03317; TOPMed 0.03870; gnomAD exomes 0.04759; 1000 Genomes Project 30x 0.06699; 1000 Genomes Project 0.06949.
gnomAD v4.1: 8,780 of 232,162 alleles (3.8%); highest among the groups gnomAD compares: East Asian, 19%; 456 homozygotes.

Submission:

Illumina Laboratory Services, Illumina
Classification: Benign for Microcephaly, normal intelligence and immunodeficiency. Last evaluated: 2018-01-12. Review status: criteria provided, single submitter. Criteria: ICSL Variant Classification Criteria 13 December 2019. Collection method: clinical testing. Allele origin: germline.
Comment: This variant was observed in the ICSL laboratory as part of a predisposition screen in an ostensibly healthy population. It had not been previously curated by ICSL or reported in the Human Gene Mutation Database (HGMD: prior to June 1st, 2018), and was therefore a candidate for classification through an automated scoring system. Utilizing variant allele frequency, disease prevalence and penetrance estimates, and inheritance mode, an automated score was calculated to assess if this variant is too frequent to cause the disease. Based on the score and internal cut-off values, a variant classified as benign is not then subjected to further curation. The score for this variant resulted in a classification of benign for this disease.

NM_002485.5(NBN):c.*1692A>G

Gene: NBN (nibrin; minus strand). Cytogenetic location: 8q21.3.
Variant type: single nucleotide variant.
Coding change: c.*1692A>G on transcript NM_002485.5 (MANE Select); 1692 bases downstream of the stop codon, A replaced by G.
Molecular consequence: 3 prime UTR variant.
Genome position (GRCh38, 1-based): chr8:89,933,890, T>C on the plus strand (A>G on the coding strand, the complement: NBN is on the minus strand). VCF-style: chr8-89933890-T-C. GRCh37 (hg19) VCF-style: chr8-90946118-T-C.
Other names: c.*1692A>G (NM_001024688.3).
Identifiers: ClinVar variation 363897 (VCV000363897.5), dbSNP rs13312986, ClinGen allele CA10628374.